The following is an entry in ClinVar:

NM_001035.3(RYR2):c.12568G>A (p.Val4190Met)

Genes: RYR2 (ryanodine receptor 2; plus strand), LOC126806068 (BRD4-independent group 4 enhancer GRCh37_chr1:237947411-237948610; plus strand). Cytogenetic location: 1q43.
Variant type: single nucleotide variant.
Coding change: c.12568G>A on transcript NM_001035.3 (MANE Select); coding-DNA position 12568, G replaced by A.
Protein change: p.Val4190Met; replaces valine 4190 with methionine.
Molecular consequence: missense variant.
Genome position (GRCh38, 1-based): chr1:237,784,280, G>A. VCF-style: chr1-237784280-G-A. GRCh37 (hg19) VCF-style: chr1-237947580-G-A.
Other names: c.12568G>A, p.Val4190Met (LRG_402t1); short protein forms V4190M.
Identifiers: ClinVar variation 580536 (VCV000580536.10), dbSNP rs1308975705, ClinGen allele CA345413644.
Genomic context (GRCh38, chr1:237,784,280, plus strand): 5'-AGACAGTTCATATTTGACGTGGTCAACGAAGGCGGAGAGAAAGAGAAGATGGAACTCTTT[G>A]TGAACTTCTGCGAGGACACCATCTTTGAAATGCAGCTGGCGGCTCAGATCTCGGAGTCGG-3'
Protein context (NP_001026.2, residues 4180-4200): GGEKEKMELF[Val4190Met]NFCEDTIFEM

ClinVar aggregate classification (germline): Pathogenic (1 of 4 stars; one submission).

Conditions:
Catecholaminergic polymorphic ventricular tachycardia 1. Also called: VENTRICULAR TACHYCARDIA, CATECHOLAMINERGIC POLYMORPHIC, 1, WITH OR WITHOUT ATRIAL DYSFUNCTION AND/OR DILATED CARDIOMYOPATHY; VENTRICULAR TACHYCARDIA, STRESS-INDUCED POLYMORPHIC 1; RYR2-Related Catecholaminergic Polymorphic Ventricular Tachycardia. Identifiers: Orphanet 3286, MedGen C1631597, MONDO:0011484, OMIM 604772.

Submission:

Labcorp Genetics (formerly Invitae), Labcorp
Classification: Pathogenic for Catecholaminergic polymorphic ventricular tachycardia 1. Last evaluated: 2025-05-27. Review status: criteria provided, single submitter. Criteria: Invitae Variant Classification Sherloc (09022015). Collection method: clinical testing. Allele origin: germline.
Comment: This sequence change replaces valine, which is neutral and non-polar, with methionine, which is neutral and non-polar, at codon 4190 of the RYR2 protein (p.Val4190Met). This variant is not present in population databases (gnomAD no frequency). This missense change has been observed in individual(s) with autosomal dominant catecholaminergic polymorphic ventricular tachycardia (internal data). In at least one individual the variant was observed to be de novo. ClinVar contains an entry for this variant (Variation ID: 580536). Invitae Evidence Modeling of protein sequence and biophysical properties (such as structural, functional, and spatial information, amino acid conservation, physicochemical variation, residue mobility, and thermodynamic stability) indicates that this missense variant is expected to disrupt RYR2 protein function with a positive predictive value of 95%. This variant disrupts the p.Val4190 amino acid residue in RYR2. Other variant(s) that disrupt this residue have been observed in individuals with RYR2-related conditions (internal data), which suggests that this may be a clinically significant amino acid residue. For these reasons, this variant has been classified as Pathogenic.